The following is an entry in ClinVar:

NM_012431.3(SEMA3E):c.2208T>C (p.Asp736=)

Gene: SEMA3E (semaphorin 3E; minus strand). Cytogenetic location: 7q21.11.
Variant type: single nucleotide variant.
Coding change: c.2208T>C on transcript NM_012431.3 (MANE Select); coding-DNA position 2208, T replaced by C.
Protein change: p.Asp736=; no amino-acid change (aspartic acid 736 retained).
Molecular consequence: synonymous variant.
Genome position (GRCh38, 1-based): chr7:83,367,706, A>G on the plus strand (T>C on the coding strand, the complement: SEMA3E is on the minus strand). VCF-style: chr7-83367706-A-G. GRCh37 (hg19) VCF-style: chr7-82997022-A-G.
Other names: c.2208T>C (NM_012431.2); c.2028T>C, p.Asp676= (NM_001178129.2).
Identifiers: ClinVar variation 4738818 (VCV004738818.2).

ClinVar aggregate classification (germline): Likely benign. Review status: criteria provided, multiple submitters, no conflicts (2 of 4 stars). 2 submissions from 2 submitters: Likely benign (2). Last evaluated 2025-12-08.

Conditions:
CHARGE syndrome (CHARGE). Also called: Hittner Hirsch Kreh syndrome; CHARGE ASSOCIATION--COLOBOMA, HEART ANOMALY, CHOANAL ATRESIA, RETARDATION, GENITAL AND EAR ANOMALIES; Coloboma, heart anomaly, choanal atresia, retardation, genital and ear anomalies; CHARGE association; Hall-Hittner syndrome. Identifiers: Orphanet 138, MedGen C0265354, MONDO:0008965.
SEMA3E-related disorder. Also called: SEMA3E-related condition.

gnomAD v4.1: 31 of 1,613,854 alleles (0.0019%); highest among the groups gnomAD compares: Admixed American, 0.005%; no homozygotes.

Submissions (2):

PreventionGenetics, part of Exact Sciences
Classification: Likely benign for SEMA3E-related condition. Last evaluated: 2025-12-08. Review status: criteria provided, single submitter. Criteria: ACMG Guidelines, 2015. Collection method: clinical testing. Allele origin: germline.
Comment: This variant is classified as likely benign based on ACMG/AMP sequence variant interpretation guidelines (Richards et al. 2015 PMID: 25741868, with internal and published modifications).

Labcorp Genetics (formerly Invitae), Labcorp
Classification: Likely benign for CHARGE syndrome. Last evaluated: 2025-12-01. Review status: criteria provided, single submitter. Criteria: Invitae Variant Classification Sherloc (09022015). Collection method: clinical testing. Allele origin: germline.